The following is an entry in ClinVar:

NM_000038.6(APC):c.7543A>G (p.Ile2515Val)

Gene: APC (APC regulator of Wnt signaling pathway; plus strand). Cytogenetic location: 5q22.2.
Variant type: single nucleotide variant.
Coding change: c.7543A>G on transcript NM_000038.6 (MANE Select); coding-DNA position 7543, A replaced by G.
Protein change: p.Ile2515Val; replaces isoleucine 2515 with valine.
Molecular consequence: missense variant.
Genome position (GRCh38, 1-based): chr5:112,843,137, A>G. VCF-style: chr5-112843137-A-G. GRCh37 (hg19) VCF-style: chr5-112178834-A-G.
Other names: c.7543A>G, p.Ile2515Val (NM_001127510.3, NM_001354895.2); c.7489A>G, p.Ile2497Val (NM_001127511.3); c.7597A>G, p.Ile2533Val (NM_001354896.2); c.7573A>G, p.Ile2525Val (NM_001354897.2); c.7468A>G, p.Ile2490Val (NM_001354898.2); c.7459A>G, p.Ile2487Val (NM_001354899.2); c.7420A>G, p.Ile2474Val (NM_001354900.2); c.7366A>G, p.Ile2456Val (NM_001354901.2); and 5 more; short protein forms I2497V, I2515V, I2424V, I2414V, I2232V, I2355V, I2389V, I2456V.
Identifiers: ClinVar variation 133513 (VCV000133513.26), dbSNP rs554356011, ClinGen allele CA013792.

ClinVar aggregate classification (germline): Benign/Likely benign. Review status: criteria provided, multiple submitters, no conflicts (2 of 4 stars). 10 submissions from 10 submitters: Benign (4); Likely benign (4). 2 of the submissions do not count toward it. Last evaluated 2026-01-26.

Conditions:
Hereditary cancer-predisposing syndrome. Also called: Tumor predisposition; Hereditary neoplastic syndrome; Neoplastic Syndromes, Hereditary; Hereditary Cancer Syndrome. Identifiers: Orphanet 140162, MedGen C0027672, MeSH D009386, MONDO:0015356.
Familial adenomatous polyposis 1 (FAP1). Also called: FAMILIAL ADENOMATOUS POLYPOSIS 1, ATTENUATED; POLYPOSIS, ADENOMATOUS INTESTINAL. Identifiers: MedGen C2713442, MONDO:0021056, OMIM 175100. Disease mechanism: loss of function.

Allele frequency attached by ClinVar (database versions not stated): gnomAD below 0.00001 and 0.00007; TOPMed 0.00002; gnomAD exomes 0.00016 and 0.00031; ExAC 0.00031; 1000 Genomes Project 0.00120; 1000 Genomes Project 30x 0.00125.
gnomAD v4.1: 238 of 1,613,936 alleles (0.015%); highest among the groups gnomAD compares: South Asian, 0.24%; 5 homozygotes.

Submissions (10):

Labcorp Genetics (formerly Invitae), Labcorp
Classification: Benign for Familial adenomatous polyposis 1. Last evaluated: 2026-01-26. Review status: criteria provided, single submitter. Criteria: Invitae Variant Classification Sherloc (09022015). Collection method: clinical testing. Allele origin: germline.

Color Diagnostics, LLC DBA Color Health
Classification: Benign for Hereditary cancer-predisposing syndrome. Last evaluated: 2024-09-18. Review status: criteria provided, single submitter. Criteria: ACMG Guidelines, 2015. Collection method: clinical testing. Allele origin: germline.

Blueprint Genetics
Classification: Likely benign. Last evaluated: 2023-09-27. Review status: criteria provided, single submitter. Criteria: ACMG Guidelines, 2015. Collection method: clinical testing. Allele origin: germline.

Myriad Genetics, Inc.
Classification: Likely benign for Familial adenomatous polyposis 1. Last evaluated: 2023-02-22. Review status: criteria provided, single submitter. Criteria: Myriad Autosomal Dominant, Autosomal Recessive and X-Linked Classification Criteria (2023). Collection method: clinical testing. Allele origin: unknown.
Comment: This variant is considered likely benign. This variant has been observed at a population frequency that is significantly greater than expected given the associated disease prevalence and penetrance.

Quest Diagnostics Nichols Institute San Juan Capistrano
Classification: Benign. Last evaluated: 2023-02-16. Review status: criteria provided, single submitter. Criteria: Quest Diagnostics criteria. Collection method: clinical testing. Allele origin: unknown.

Sema4
Classification: Benign for Hereditary cancer-predisposing syndrome. Last evaluated: 2021-09-03. Review status: criteria provided, single submitter. Criteria: Sema4 Curation Guidelines. Collection method: curation. Allele origin: germline.

GeneDx
Classification: Likely benign. Last evaluated: 2019-06-25. Review status: criteria provided, single submitter. Criteria: GeneDx Variant Classification (06012015). Collection method: clinical testing. Allele origin: germline. Affected: yes.
Comment: This variant is associated with the following publications: (PMID: 27329244, 24728327, 23292937)

Ambry Genetics
Classification: Likely benign for Hereditary cancer-predisposing syndrome. Last evaluated: 2018-12-03. Review status: criteria provided, single submitter. Criteria: Ambry Variant Classification Scheme 2023. Collection method: clinical testing. Allele origin: germline.

Counsyl
Classification: Uncertain significance for Familial adenomatous polyposis 1. Last evaluated: 2015-12-22. Review status: no assertion criteria provided. Collection method: clinical testing. Allele origin: unknown. Not counted in ClinVar's aggregate classification.

ITMI
No classification provided. Condition: AllHighlyPenetrant. Last evaluated: 2013-09-19. Review status: no classification provided. Collection method: reference population. Allele origin: germline. Not counted in ClinVar's aggregate classification.
Comment: Please see associated publication for description of ethnicities

Literature cited by the submitters: PubMed 24728327 (cited by 3 submitters); PubMed 27329244 (cited by Ambry Genetics).